The following is an entry in ClinVar:

ClinVar aggregate classification (germline): Uncertain significance (1 of 4 stars; one submission).

Conditions:
Duchenne muscular dystrophy (DMD). Also called: MUSCULAR DYSTROPHY, PSEUDOHYPERTROPHIC PROGRESSIVE, DUCHENNE TYPE; Duchenne Muscular Dystrophy (DMD). Identifiers: Orphanet 98896, MedGen C0013264, MONDO:0010679, OMIM 310200.

Submission:

Labcorp Genetics (formerly Invitae), Labcorp
Classification: Uncertain significance for Duchenne muscular dystrophy. Last evaluated: 2022-12-07. Review status: criteria provided, single submitter. Criteria: Invitae Variant Classification Sherloc (09022015). Collection method: clinical testing. Allele origin: germline.
Comment: In summary, the available evidence is currently insufficient to determine the role of this variant in disease. Therefore, it has been classified as a Variant of Uncertain Significance. This sequence change replaces leucine, which is neutral and non-polar, with glutamine, which is neutral and polar, at codon 1243 of the DMD protein (p.Leu1243Gln). This variant is not present in population databases (gnomAD no frequency). This variant has not been reported in the literature in individuals affected with DMD-related conditions. Advanced modeling of protein sequence and biophysical properties (such as structural, functional, and spatial information, amino acid conservation, physicochemical variation, residue mobility, and thermodynamic stability) performed at Invitae indicates that this missense variant is not expected to disrupt DMD protein function.

NM_004006.3(DMD):c.3728T>A (p.Leu1243Gln)

Gene: DMD (dystrophin; minus strand). Cytogenetic location: Xp21.1.
Variant type: single nucleotide variant.
Coding change: c.3728T>A on transcript NM_004006.3 (MANE Select); coding-DNA position 3728, T replaced by A.
Protein change: p.Leu1243Gln; replaces leucine 1243 with glutamine.
Molecular consequence: missense variant.
Genome position (GRCh38, 1-based): chrX:32,448,514, A>T on the plus strand (T>A on the coding strand, the complement: DMD is on the minus strand). VCF-style: chrX-32448514-A-T. GRCh37 (hg19) VCF-style: chrX-32466631-A-T.
Other names: c.3704T>A, p.Leu1235Gln (NM_000109.4); c.3716T>A, p.Leu1239Gln (NM_004009.3); c.3359T>A, p.Leu1120Gln (NM_004010.3); short protein forms L1239Q, L1243Q, L1235Q, L1120Q.
Identifiers: ClinVar variation 2998570 (VCV002998570.3), dbSNP rs2524243296, ClinGen allele CA412661870.
Genomic context (GRCh38, chrX:32,448,514, plus strand): 5'-ACTTCCAAAGTCTTGCATTTCCCATTCAGCCTAGTGCAGAGCCACTGGTAGTTGGTGGTT[A>T]GAGTTTCAAGTTCCTTTTTTAAGGCCTCTTGTGCTACAGGTGGAGCTTGAGCTATGACAC-3'
Protein context (NP_003997.2, residues 1233-1253): QEALKKELET[Leu1243Gln]TTNYQWLCTR